The following is an entry in ClinVar:

ClinVar aggregate classification (germline): Uncertain significance. Review status: criteria provided, multiple submitters, no conflicts (2 of 4 stars). 2 submissions from 2 submitters: Uncertain significance (2). Last evaluated 2025-12-09.

Conditions:
Tuberous sclerosis 1 (TSC1). Identifiers: Orphanet 805, MedGen C1854465, MONDO:0008612, OMIM 191100.

Submissions (2):

Labcorp Genetics (formerly Invitae), Labcorp
Classification: Uncertain significance for Tuberous sclerosis 1. Last evaluated: 2025-12-09. Review status: criteria provided, single submitter. Criteria: Invitae Variant Classification Sherloc (09022015). Collection method: clinical testing. Allele origin: germline.
Comment: This sequence change replaces asparagine, which is neutral and polar, with lysine, which is basic and polar, at codon 1015 of the TSC1 protein (p.Asn1015Lys). This variant is not present in population databases (gnomAD no frequency). This variant has not been reported in the literature in individuals affected with TSC1-related conditions. ClinVar contains an entry for this variant (Variation ID: 1464312). Invitae Evidence Modeling of protein sequence and biophysical properties (such as structural, functional, and spatial information, amino acid conservation, physicochemical variation, residue mobility, and thermodynamic stability) indicates that this missense variant is not expected to disrupt TSC1 protein function with a negative predictive value of 95%. RNA analysis performed to evaluate the impact of this missense change on mRNA splicing indicates it does not significantly alter splicing (internal data). In summary, the available evidence is currently insufficient to determine the role of this variant in disease. Therefore, it has been classified as a Variant of Uncertain Significance.

GeneDx
Classification: Uncertain significance. Last evaluated: 2023-04-28. Review status: criteria provided, single submitter. Criteria: GeneDx Variant Classification Process June 2021. Collection method: clinical testing. Allele origin: germline. Affected: yes.
Comment: Has not been previously published as pathogenic or benign to our knowledge; Not observed at significant frequency in large population cohorts (gnomAD); In silico analysis supports that this missense variant does not alter protein structure/function; In silico analysis suggests this variant may impact gene splicing. In the absence of RNA/functional studies, the actual effect of this sequence change is unknown.

NM_000368.5(TSC1):c.3045C>A (p.Asn1015Lys)

Gene: TSC1 (TSC complex subunit 1; minus strand). Cytogenetic location: 9q34.13.
Variant type: single nucleotide variant.
Coding change: c.3045C>A on transcript NM_000368.5 (MANE Select); coding-DNA position 3045, C replaced by A.
Protein change: p.Asn1015Lys; replaces asparagine 1015 with lysine.
Molecular consequence: missense variant.
Genome position (GRCh38, 1-based): chr9:132,896,685, G>T on the plus strand (C>A on the coding strand, the complement: TSC1 is on the minus strand). VCF-style: chr9-132896685-G-T. GRCh37 (hg19) VCF-style: chr9-135772072-G-T.
Other names: c.3045C>A (NM_000368.4); c.3042C>A, p.Asn1014Lys (NM_001162426.2); c.2892C>A, p.Asn964Lys (NM_001162427.2); c.2682C>A, p.Asn894Lys (NM_001362177.2); short protein forms N1014K, N1015K, N964K, N894K.
Identifiers: ClinVar variation 1464312 (VCV001464312.9), dbSNP rs759047948, ClinGen allele CA375367730.